The following is an entry in ClinVar:

ClinVar aggregate classification (germline): Likely pathogenic (1 of 4 stars; one submission).

Submission:

GeneDx
Classification: Likely pathogenic. Last evaluated: 2020-01-02. Review status: criteria provided, single submitter. Criteria: GeneDx Variant Classification Process June 2021. Collection method: clinical testing. Allele origin: germline. Affected: yes.
Comment: Not observed in large population cohorts (Lek et al., 2016); In silico analysis, which includes protein predictors and evolutionary conservation, supports that this variant does not alter protein structure/function; Has not been previously published as pathogenic or benign to our knowledge

NM_014314.4(RIGI):c.1916T>C (p.Leu639Pro)

Gene: RIGI (RNA sensor RIG-I; minus strand). Cytogenetic location: 9p21.1.
Variant type: single nucleotide variant.
Coding change: c.1916T>C on transcript NM_014314.4 (MANE Select); coding-DNA position 1916, T replaced by C.
Protein change: p.Leu639Pro; replaces leucine 639 with proline.
Molecular consequence: missense variant.
Genome position (GRCh38, 1-based): chr9:32,476,990, A>G on the plus strand (T>C on the coding strand, the complement: RIGI is on the minus strand). VCF-style: chr9-32476990-A-G. GRCh37 (hg19) VCF-style: chr9-32476988-A-G.
Other names: short protein forms L639P.
Identifiers: ClinVar variation 429298 (VCV000429298.4), dbSNP rs1131691305, ClinGen allele CA373148554.